The following is an entry in ClinVar:

NM_001470.4(GABBR1):c.1024A>T (p.Ser342Cys)

Gene: GABBR1 (gamma-aminobutyric acid type B receptor subunit 1; minus strand). Cytogenetic location: 6p22.1.
Variant type: single nucleotide variant.
Coding change: c.1024A>T on transcript NM_001470.4 (MANE Select); coding-DNA position 1024, A replaced by T.
Protein change: p.Ser342Cys; replaces serine 342 with cysteine.
Molecular consequence: missense variant.
Genome position (GRCh38, 1-based): chr6:29,622,145, T>A on the plus strand (A>T on the coding strand, the complement: GABBR1 is on the minus strand). VCF-style: chr6-29622145-T-A. GRCh37 (hg19) VCF-style: chr6-29589922-T-A.
Other names: c.493A>T, p.Ser165Cys (NM_001319053.2); c.673A>T, p.Ser225Cys (NM_021903.3); c.838A>T, p.Ser280Cys (NM_021904.4); short protein forms S280C, S165C, S225C, S342C.
Identifiers: ClinVar variation 4056069 (VCV004056069.1).

ClinVar aggregate classification (germline): Uncertain significance (1 of 4 stars; one submission).

Submission:

GeneDx
Classification: Uncertain significance. Last evaluated: 2025-01-07. Review status: criteria provided, single submitter. Criteria: GeneDx Variant Classification Process June 2021. Collection method: clinical testing. Allele origin: germline. Affected: yes.
Comment: Not observed at significant frequency in large population cohorts (gnomAD); In silico analysis supports that this missense variant has a deleterious effect on protein structure/function; Has not been previously published as pathogenic or benign to our knowledge